The following is an entry in ClinVar:

NM_032977.4(CASP10):c.399C>G (p.Asp133Glu)

Gene: CASP10 (caspase 10; plus strand). Cytogenetic location: 2q33.1.
Variant type: single nucleotide variant.
Coding change: c.399C>G on transcript NM_032977.4 (MANE Select); coding-DNA position 399, C replaced by G.
Protein change: p.Asp133Glu; replaces aspartic acid 133 with glutamic acid.
Molecular consequence: missense variant.
Genome position (GRCh38, 1-based): chr2:201,187,757, C>G. VCF-style: chr2-201187757-C-G. GRCh37 (hg19) VCF-style: chr2-202052480-C-G.
Other names: c.399C>G, p.Asp133Glu (NM_032974.5, NM_032976.4, NM_001206524.2 and 3 more transcripts); short protein forms D133E.
Identifiers: ClinVar variation 4794073 (VCV004794073.1).

ClinVar aggregate classification (germline): Uncertain significance (1 of 4 stars; one submission).

Conditions:
Autoimmune lymphoproliferative syndrome type 2A (ALPS2A). Also called: CASP10-Related Autoimmune Lymphoproliferative Syndrome; AUTOIMMUNE LYMPHOPROLIFERATIVE SYNDROME, TYPE IIA; Autoimmune lymphoproliferative syndrome type 2. Identifiers: Orphanet 3261, MedGen C1858968, MONDO:0011383, OMIM 603909.

Submission:

Labcorp Genetics (formerly Invitae), Labcorp
Classification: Uncertain significance for Autoimmune lymphoproliferative syndrome type 2A. Last evaluated: 2025-12-09. Review status: criteria provided, single submitter. Criteria: Invitae Variant Classification Sherloc (09022015). Collection method: clinical testing. Allele origin: germline.
Comment: This sequence change replaces aspartic acid, which is acidic and polar, with glutamic acid, which is acidic and polar, at codon 133 of the CASP10 protein (p.Asp133Glu). This variant is not present in population databases (gnomAD no frequency). This variant has not been reported in the literature in individuals affected with CASP10-related conditions. Invitae Evidence Modeling of protein sequence and biophysical properties (such as structural, functional, and spatial information, amino acid conservation, physicochemical variation, residue mobility, and thermodynamic stability) indicates that this missense variant is not expected to disrupt CASP10 protein function with a negative predictive value of 80%. In summary, the available evidence is currently insufficient to determine the role of this variant in disease. Therefore, it has been classified as a Variant of Uncertain Significance.